The following is an entry in ClinVar:

NM_000593.6(TAP1):c.1377+5G>C

Gene: TAP1 (transporter 1, ATP binding cassette subfamily B member; minus strand). Cytogenetic location: 6p21.32.
Variant type: single nucleotide variant.
Coding change: c.1377+5G>C on transcript NM_000593.6 (MANE Select); 5 bases into the intron after coding-DNA position 1377, G replaced by C.
Molecular consequence: intron variant.
Genome position (GRCh38, 1-based): chr6:32,848,985, C>G on the plus strand (G>C on the coding strand, the complement: TAP1 is on the minus strand). VCF-style: chr6-32848985-C-G. GRCh37 (hg19) VCF-style: chr6-32816762-C-G.
Other names: c.774+5G>C (NM_001292022.2).
Identifiers: ClinVar variation 942949 (VCV000942949.8), dbSNP rs746757726, ClinGen allele CA3746798.

ClinVar aggregate classification (germline): Uncertain significance (1 of 4 stars; one submission).

Conditions:
MHC class I deficiency. Identifiers: Orphanet 34592, MedGen C6024714, MONDO:0011476.

Allele frequency attached by ClinVar (database versions not stated): gnomAD exomes below 0.00001; ExAC 0.00001.
gnomAD v4.1: 2 of 1,612,558 alleles (0.00012%); highest among the groups gnomAD compares: South Asian, 0.0011%; no homozygotes.

Submissions (2):

Labcorp Genetics (formerly Invitae), Labcorp
Classification: Uncertain significance for MHC class I deficiency 1. Last evaluated: 2019-09-22. Review status: criteria provided, single submitter. Criteria: Invitae Variant Classification Sherloc (09022015). Collection method: clinical testing. Allele origin: germline.
Comment: This variant has not been reported in the literature in individuals with TAP1-related conditions. This variant is present in population databases (rs746757726, ExAC 0.007%). This sequence change falls in intron 6 of the TAP1 gene. It does not directly change the encoded amino acid sequence of the TAP1 protein, but it affects a nucleotide within the consensus splice site of the intron. Nucleotide substitutions within the consensus splice site are a relatively common cause of aberrant splicing (PMID: 17576681, 9536098). Algorithms developed to predict the effect of sequence changes on RNA splicing suggest that this variant may disrupt the consensus splice site, but this prediction has not been confirmed by published transcriptional studies. In summary, the available evidence is currently insufficient to determine the role of this variant in disease. Therefore, it has been classified as a Variant of Uncertain Significance.

Dr. Peter K. Rogan Lab, Western University
No classification provided (evidence only). Condition: Ovarian serous cystadenocarcinoma. Review status: no classification provided. Collection method: in vitro. Allele origin: not applicable. Functional consequence: retained intron. Not counted in ClinVar's aggregate classification.

Literature cited by the submitters: PubMed 17576681 (cited by Labcorp Genetics (formerly Invitae), Labcorp); PubMed 9536098 (cited by Labcorp Genetics (formerly Invitae), Labcorp).